The following is an entry in ClinVar:

NM_182760.4(SUMF1):c.886G>C (p.Gly296Arg)

Gene: SUMF1 (sulfatase modifying factor 1; minus strand). Cytogenetic location: 3p26.1.
Variant type: single nucleotide variant.
Coding change: c.886G>C on transcript NM_182760.4 (MANE Select); coding-DNA position 886, G replaced by C.
Protein change: p.Gly296Arg; replaces glycine 296 with arginine.
Molecular consequence: missense variant.
Genome position (GRCh38, 1-based): chr3:4,410,933, C>G on the plus strand (G>C on the coding strand, the complement: SUMF1 is on the minus strand). VCF-style: chr3-4410933-C-G. GRCh37 (hg19) VCF-style: chr3-4452617-C-G.
Other names: c.811G>C, p.Gly271Arg (NM_001164674.2); c.886G>C, p.Gly296Arg (NM_001164675.2); short protein forms G271R, G296R.
Identifiers: ClinVar variation 1521031 (VCV001521031.8), dbSNP rs2125010332, ClinGen allele CA351631387.

ClinVar aggregate classification (germline): Uncertain significance (1 of 4 stars; one submission).

Conditions:
Multiple sulfatase deficiency (MSD). Also called: Mucosulfatidosis; Multiple Sulfatase Deficiency Disease; Sulfatidosis, Juvenile, Austin Type. Identifiers: Orphanet 585, MedGen C0268263, MONDO:0010088, OMIM 272200.

Submission:

Labcorp Genetics (formerly Invitae), Labcorp
Classification: Uncertain significance for Multiple sulfatase deficiency. Last evaluated: 2021-03-28. Review status: criteria provided, single submitter. Criteria: Invitae Variant Classification Sherloc (09022015). Collection method: clinical testing. Allele origin: germline.
Comment: In summary, the available evidence is currently insufficient to determine the role of this variant in disease. Therefore, it has been classified as a Variant of Uncertain Significance. Algorithms developed to predict the effect of missense changes on protein structure and function (SIFT, PolyPhen-2, Align-GVGD) all suggest that this variant is likely to be disruptive, but these predictions have not been confirmed by published functional studies and their clinical significance is uncertain. This variant has not been reported in the literature in individuals with SUMF1-related conditions. This variant is not present in population databases (ExAC no frequency). This sequence change replaces glycine with arginine at codon 296 of the SUMF1 protein (p.Gly296Arg). The glycine residue is highly conserved and there is a moderate physicochemical difference between glycine and arginine.